The following is an entry in ClinVar:

ClinVar aggregate classification (germline): Benign. Review status: criteria provided, multiple submitters, no conflicts (2 of 4 stars). 6 submissions from 6 submitters: Benign (5). 1 of the submissions does not count toward it. Last evaluated 2026-02-04.

Conditions:
MCPH1-related disorder. Also called: MCPH1-related condition.
Microcephaly 1, primary, autosomal recessive (MCPH1). Also called: PREMATURE CHROMOSOME CONDENSATION SYNDROME; PCC SYNDROME; PREMATURE CHROMOSOME CONDENSATION WITH MICROCEPHALY AND MENTAL RETARDATION. Identifiers: Orphanet 2512, MedGen C1855081, MONDO:0009617, OMIM 251200.

Allele frequency attached by ClinVar (database versions not stated): ExAC 0.00756; gnomAD 0.02389 and 0.02559; ESP Exome Variant Server 0.02500; TOPMed 0.02700; 1000 Genomes Project 0.03115; 1000 Genomes Project 30x 0.03576.
gnomAD v4.1: 7,134 of 1,614,226 alleles (0.44%); highest among the groups gnomAD compares: African/African-American, 8.4%; 290 homozygotes.

Submissions (6):

Labcorp Genetics (formerly Invitae), Labcorp
Classification: Benign. Last evaluated: 2026-02-04. Review status: criteria provided, single submitter. Criteria: Invitae Variant Classification Sherloc (09022015). Collection method: clinical testing. Allele origin: germline.

Illumina Laboratory Services, Illumina
Classification: Benign for Microcephaly 1, primary, autosomal recessive. Last evaluated: 2018-01-12. Review status: criteria provided, single submitter. Criteria: ICSL Variant Classification Criteria 13 December 2019. Collection method: clinical testing. Allele origin: germline.
Comment: This variant was observed in the ICSL laboratory as part of a predisposition screen in an ostensibly healthy population. It had not been previously curated by ICSL or reported in the Human Gene Mutation Database (HGMD: prior to June 1st, 2018), and was therefore a candidate for classification through an automated scoring system. Utilizing variant allele frequency, disease prevalence and penetrance estimates, and inheritance mode, an automated score was calculated to assess if this variant is too frequent to cause the disease. Based on the score and internal cut-off values, a variant classified as benign is not then subjected to further curation. The score for this variant resulted in a classification of benign for this disease.

GeneDx
Classification: Benign. Last evaluated: 2015-03-03. Review status: criteria provided, single submitter. Criteria: GeneDx Variant Classification Process June 2021. Collection method: clinical testing. Allele origin: germline. Affected: yes.

Genetic Services Laboratory, University of Chicago
Classification: Benign. Last evaluated: 2013-02-08. Review status: criteria provided, single submitter. Criteria: ACMG Guidelines, 2007. Collection method: clinical testing. Allele origin: germline. Inheritance: Autosomal recessive inheritance.

Breakthrough Genomics
Classification: Benign. Review status: criteria provided, single submitter. Criteria: ACMG Guidelines, 2015. Collection method: not provided. Allele origin: germline. Inheritance: Autosomal recessive inheritance. Affected: yes.

PreventionGenetics, part of Exact Sciences
Classification: Benign for MCPH1-related condition. Last evaluated: 2019-10-16. Review status: no assertion criteria provided. Collection method: clinical testing. Allele origin: germline. Not counted in ClinVar's aggregate classification.
Comment: This variant is classified as benign based on ACMG/AMP sequence variant interpretation guidelines (Richards et al. 2015 PMID: 25741868, with internal and published modifications).

NM_024596.5(MCPH1):c.2400C>T (p.Tyr800=)

Genes: MCPH1-AS1 (MCPH1 antisense RNA 1; minus strand), MCPH1 (microcephalin 1; plus strand). Cytogenetic location: 8p23.1.
Variant type: single nucleotide variant.
Coding change: c.2400C>T on transcript NM_024596.5 (MANE Select); coding-DNA position 2400, C replaced by T.
Protein change: p.Tyr800=; no amino-acid change (tyrosine 800 retained).
Molecular consequence: synonymous variant.
Genome position (GRCh38, 1-based): chr8:6,621,639, C>T. VCF-style: chr8-6621639-C-T. GRCh37 (hg19) VCF-style: chr8-6479160-C-T.
Other names: c.2400C>T, p.Tyr800= (NM_001322042.2, NM_001363979.1); c.2121C>T, p.Tyr707= (NM_001363980.2); c.2400C>T (NM_001322042.1).
Identifiers: ClinVar variation 158855 (VCV000158855.24), dbSNP rs7017210, ClinGen allele CA172529.
Genomic context (GRCh38, chr8:6,621,639, plus strand): 5'-CCTGTGCGGAGGCCGGGTCAGCCAAGTCCCCCGCCAGGCCAGCATCGTCATCGGGCCCTA[C>T]AGCGGAAAGAAGAAAGCCACAGTCAAGTATCTGTCTGAGAAATGGGTCTTAGGTAAGAAT-3'
Protein context (NP_078872.3, residues 790-810): PRQASIVIGP[Tyr800=]SGKKKATVKY